The following is an entry in ClinVar:

NM_000287.4(PEX6):c.427_485del (p.Pro143fs)

Gene: PEX6 (peroxisomal biogenesis factor 6; minus strand). Cytogenetic location: 6p21.1.
Variant type: Deletion.
Coding change: c.427_485del on transcript NM_000287.4 (MANE Select); coding-DNA positions 427 to 485, 59 bases deleted.
Protein change: p.Pro143fs; shifts the reading frame from proline 143.
Molecular consequence: frameshift variant. On other transcripts: non-coding transcript variant (1).
Genome position (GRCh38, 1-based): chr6:42,978,666-42,978,724, 59 bases deleted. GRCh37 (hg19): chr6:42,946,409-42,946,467.
Other names: c.427_485del, p.Pro143fs (NM_001316313.2); short protein forms P143fs.
Identifiers: ClinVar variation 2843233 (VCV002843233.3), dbSNP rs2481279237, ClinGen allele CA2739273048.

ClinVar aggregate classification (germline): Pathogenic (1 of 4 stars; one submission).

Conditions:
Peroxisome biogenesis disorder. Identifiers: Orphanet 79189, MedGen C1832200, MONDO:0019234. Disease mechanism: loss of function.

Submission:

Labcorp Genetics (formerly Invitae), Labcorp
Classification: Pathogenic for Peroxisome biogenesis disorder. Last evaluated: 2023-12-28. Review status: criteria provided, single submitter. Criteria: Invitae Variant Classification Sherloc (09022015). Collection method: clinical testing. Allele origin: germline.
Comment: This sequence change creates a premature translational stop signal (p.Pro143Alafs*79) in the PEX6 gene. It is expected to result in an absent or disrupted protein product. Loss-of-function variants in PEX6 are known to be pathogenic (PMID: 10408779, 21031596, 31831025). This variant is not present in population databases (gnomAD no frequency). This variant has not been reported in the literature in individuals affected with PEX6-related conditions. For these reasons, this variant has been classified as Pathogenic.

Literature cited by the submitters: PubMed 10408779; PubMed 21031596; PubMed 31831025.